The following is an entry in ClinVar:

ClinVar aggregate classification (germline): Uncertain significance (1 of 4 stars; one submission).

Conditions:
Familial cancer of breast. Also called: Hereditary breast cancer; BREAST CANCER, FAMILIAL; hereditary breast carcinoma. Identifiers: Orphanet 227535, MedGen C0346153, MONDO:0016419, OMIM 114480. Disease mechanism: loss of function.

Submission:

Labcorp Genetics (formerly Invitae), Labcorp
Classification: Uncertain significance for Familial cancer of breast. Last evaluated: 2024-10-04. Review status: criteria provided, single submitter. Criteria: Invitae Variant Classification Sherloc (09022015). Collection method: clinical testing. Allele origin: germline.
Comment: This sequence change replaces glycine, which is neutral and non-polar, with arginine, which is basic and polar, at codon 114 of the PALB2 protein (p.Gly114Arg). This variant is not present in population databases (gnomAD no frequency). This variant has not been reported in the literature in individuals affected with PALB2-related conditions. An algorithm developed to predict the effect of missense changes on protein structure and function (PolyPhen-2) suggests that this variant is likely to be tolerated. In summary, the available evidence is currently insufficient to determine the role of this variant in disease. Therefore, it has been classified as a Variant of Uncertain Significance.

NM_024675.4(PALB2):c.340G>A (p.Gly114Arg)

Gene: PALB2 (partner and localizer of BRCA2; minus strand). Cytogenetic location: 16p12.2.
Variant type: single nucleotide variant.
Coding change: c.340G>A on transcript NM_024675.4 (MANE Select); coding-DNA position 340, G replaced by A.
Protein change: p.Gly114Arg; replaces glycine 114 with arginine.
Molecular consequence: missense variant. On other transcripts: 5 prime UTR variant (8), intron variant (3).
Genome position (GRCh38, 1-based): chr16:23,636,206, C>T on the plus strand (G>A on the coding strand, the complement: PALB2 is on the minus strand). VCF-style: chr16-23636206-C-T. GRCh37 (hg19) VCF-style: chr16-23647527-C-T.
Other names: c.280G>A, p.Gly94Arg (NM_001407296.1); c.340G>A, p.Gly114Arg (NM_001407297.1, NM_001407298.1, NM_001407299.1 and 3 more transcripts); c.-546G>A (NM_001407304.1, NM_001407305.1, NM_001407306.1 and 5 more transcripts); c.48+4904G>A (NM_001407314.1); c.-105+4904G>A (NM_001407313.1, NM_001407312.1); short protein forms G94R, G114R.
Identifiers: ClinVar variation 3709462 (VCV003709462.2).
Genomic context (GRCh38, chr16:23,636,206, plus strand): 5'-CACTGACCCTGTGGGGAAAATGTTCTTGGGTGTCATCTGTTCTTTGTATAGGTAATCCTC[C>T]TGGGCCATCTCCAGGGTTAAAGGACTCAGGCCCAACATCAAGTGTGATAGATGTCTTTTC-3'
Protein context (NP_078951.2, residues 104-124): PESFNPGDGP[Gly114Arg]GLPIQRTDDT